The following is an entry in ClinVar:

NM_002485.5(NBN):c.804G>T (p.Thr268=)

Gene: NBN (nibrin; minus strand). Cytogenetic location: 8q21.3.
Variant type: single nucleotide variant.
Coding change: c.804G>T on transcript NM_002485.5 (MANE Select); coding-DNA position 804, G replaced by T.
Protein change: p.Thr268=; no amino-acid change (threonine 268 retained).
Molecular consequence: synonymous variant.
Genome position (GRCh38, 1-based): chr8:89,970,456, C>A on the plus strand (G>T on the coding strand, the complement: NBN is on the minus strand). VCF-style: chr8-89970456-C-A. GRCh37 (hg19) VCF-style: chr8-90982684-C-A.
Other names: c.558G>T, p.Thr186= (NM_001024688.3).
Identifiers: ClinVar variation 461581 (VCV000461581.14), dbSNP rs141443872, ClinGen allele CA461830826.

ClinVar aggregate classification (germline): Conflicting classifications of pathogenicity. Review status: criteria provided, conflicting classifications (1 of 4 stars). 4 submissions from 4 submitters: Uncertain significance (1); Likely benign (2). 1 of the submissions does not count toward it. Last evaluated 2025-09-30.

Conditions:
Hereditary cancer-predisposing syndrome. Also called: Hereditary neoplastic syndrome; Neoplastic Syndromes, Hereditary; Tumor predisposition; Hereditary Cancer Syndrome. Identifiers: Orphanet 140162, MedGen C0027672, MeSH D009386, MONDO:0015356.
Microcephaly, normal intelligence and immunodeficiency (NBS). Also called: IMMUNODEFICIENCY, MICROCEPHALY, AND CHROMOSOMAL INSTABILITY; SEEMANOVA SYNDROME II; Nijmegen breakage syndrome; Microcephaly with normal intelligence immunodeficiency and lymphoreticular malignancies; Nonsyndromal microcephaly autosomal recessive with normal intelligence; Seemanova syndrome 2. Identifiers: Orphanet 647, MedGen C0398791, MONDO:0009623, OMIM 251260.

gnomAD v4.1: 2 of 1,613,884 alleles (0.00012%); highest among the groups gnomAD compares: Non-Finnish European, 0.00017%; no homozygotes.

Submissions (4):

Labcorp Genetics (formerly Invitae), Labcorp
Classification: Likely benign for Microcephaly, normal intelligence and immunodeficiency. Last evaluated: 2025-09-30. Review status: criteria provided, single submitter. Criteria: Invitae Variant Classification Sherloc (09022015). Collection method: clinical testing. Allele origin: germline.

Ambry Genetics
Classification: Uncertain significance for Hereditary cancer-predisposing syndrome. Last evaluated: 2024-07-18. Review status: criteria provided, single submitter. Criteria: Ambry Variant Classification Scheme 2023. Collection method: clinical testing. Allele origin: germline.
Comment: The c.804G>T variant (also known as p.T268T), located in coding exon 7 of the NBN gene, results from a G to T substitution at nucleotide position 804. This nucleotide substitution does not change the amino acid at codon 268. This nucleotide position is poorly conserved in available vertebrate species. In silico splice site analysis for this alteration is inconclusive. Since supporting evidence is limited at this time, the clinical significance of this alteration remains unclear.

Women's Health and Genetics/Laboratory Corporation of America, LabCorp
Classification: Likely benign. Last evaluated: 2021-02-28. Review status: criteria provided, single submitter. Criteria: LabCorp Variant Classification Summary - May 2015. Collection method: clinical testing. Allele origin: germline.

Department of Pathology and Laboratory Medicine, Sinai Health System
Classification: Likely benign for Microcephaly, normal intelligence and immunodeficiency. Review status: no assertion criteria provided. Collection method: clinical testing. Allele origin: unknown. Affected: yes. Study: The Canadian Open Genetics Repository (COGR). Not counted in ClinVar's aggregate classification.
Comment: The NBN p.Thr268Thr variant was not identified in the literature nor was it identified in LOVD 3.0. The variant was identified in dbSNP (ID: rs141443872) as â€šÃ„ÃºWith Likely benign alleleâ€šÃ„Ã¹ and ClinVar (classified as likely benign by Invitae). The variant was identified in control databases in 17 of 277068 chromosomes at a frequency of 0.00006 (Genome Aggregation Database Feb 27, 2017). The variant was observed in the following populations: African in 12 of 24032 chromosomes (freq: 0.0005), South Asian in 2 of 30782 chromosomes (freq: 0.000065), Latino in 2 of 34384 chromosomes (freq: 0.00006) and European in 1 of 126614 chromosomes (freq: 0.000008), while the variant was not observed in the Ashkenazi Jewish, East Asian or Finnish populations. The p.Thr268Thr variant is not expected to have clinical significance because it does not result in a change of amino acid and is not located in a known consensus splice site. In addition, in silico or computational prediction software programs (SpliceSiteFinder, MaxEntScan, NNSPLICE, GeneSplicer) do not predict a difference in splicing. In summary, based on the above information, the clinical significance of this variant cannot be determined with certainty at this time although we would lean towards a more benign role for this variant. This variant is classified as likely benign.